The following is an entry in ClinVar:

NM_182961.4(SYNE1):c.9394A>T (p.Ser3132Cys)

Gene: SYNE1 (spectrin repeat containing nuclear envelope protein 1; minus strand). Cytogenetic location: 6q25.2.
Variant type: single nucleotide variant.
Coding change: c.9394A>T on transcript NM_182961.4 (MANE Select); coding-DNA position 9394, A replaced by T.
Protein change: p.Ser3132Cys; replaces serine 3132 with cysteine.
Molecular consequence: missense variant.
Genome position (GRCh38, 1-based): chr6:152,373,150, T>A on the plus strand (A>T on the coding strand, the complement: SYNE1 is on the minus strand). VCF-style: chr6-152373150-T-A. GRCh37 (hg19) VCF-style: chr6-152694285-T-A.
Other names: c.9415A>T, p.Ser3139Cys (NM_033071.5); short protein forms S3132C, S3139C.
Identifiers: ClinVar variation 538377 (VCV000538377.8), dbSNP rs138481762, ClinGen allele CA366140063.

ClinVar aggregate classification (germline): Uncertain significance (1 of 4 stars; one submission).

Conditions:
Autosomal recessive ataxia, Beauce type. Also called: SYNE1-Related Autosomal Recessive Cerebellar Ataxia; Spinocerebellar ataxia, autosomal recessive 8; ATAXIA, RECESSIVE, OF BEAUCE; SYNE1 Deficiency. Identifiers: Orphanet 88644, MedGen C1853116, MONDO:0012549, OMIM 610743.
Emery-Dreifuss muscular dystrophy 4, autosomal dominant (EDMD4). Also called: EMERY-DREIFUSS MUSCULAR DYSTROPHY 4 WITH VARIABLE FEATURES. Identifiers: Orphanet 261, MedGen C2751807, MONDO:0013071, OMIM 612998.

gnomAD v4.1: 3 of 1,614,002 alleles (0.00019%); highest among the groups gnomAD compares: Admixed American, 0.0033%; no homozygotes.

Submission:

Labcorp Genetics (formerly Invitae), Labcorp
Classification: Uncertain significance for Emery-Dreifuss muscular dystrophy 4, autosomal dominant; Autosomal recessive ataxia, Beauce type. Last evaluated: 2025-04-21. Review status: criteria provided, single submitter. Criteria: Invitae Variant Classification Sherloc (09022015). Collection method: clinical testing. Allele origin: germline.
Comment: This sequence change replaces serine, which is neutral and polar, with cysteine, which is neutral and slightly polar, at codon 3139 of the SYNE1 protein (p.Ser3139Cys). This variant is present in population databases (no rsID available, gnomAD 0.003%). This variant has not been reported in the literature in individuals affected with SYNE1-related conditions. ClinVar contains an entry for this variant (Variation ID: 538377). An algorithm developed to predict the effect of missense changes on protein structure and function outputs the following: PolyPhen-2: "Benign". The cysteine amino acid residue is found in multiple mammalian species, which suggests that this missense change does not adversely affect protein function. In summary, the available evidence is currently insufficient to determine the role of this variant in disease. Therefore, it has been classified as a Variant of Uncertain Significance.